The following is an entry in ClinVar:

ClinVar aggregate classification (germline): Uncertain significance. Review status: criteria provided, multiple submitters, no conflicts (2 of 4 stars). 3 submissions from 3 submitters: Uncertain significance (3). Last evaluated 2024-10-20.

Conditions:
Inborn genetic diseases. Identifiers: MedGen C0950123, MeSH D030342.

Allele frequency attached by ClinVar (database versions not stated): gnomAD exomes below 0.00001 and 0.00001; ExAC 0.00001; gnomAD 0.00003 and 0.00004; TOPMed 0.00010.
gnomAD v4.1: 12 of 1,604,148 alleles (0.00075%); highest among the groups gnomAD compares: Admixed American, 0.012%; no homozygotes.

Submissions (3):

Ambry Genetics
Classification: Uncertain significance for Inborn genetic diseases. Last evaluated: 2024-10-20. Review status: criteria provided, single submitter. Criteria: Ambry Variant Classification Scheme 2023. Collection method: clinical testing. Allele origin: germline.

Labcorp Genetics (formerly Invitae), Labcorp
Classification: Uncertain significance. Last evaluated: 2023-08-04. Review status: criteria provided, single submitter. Criteria: Invitae Variant Classification Sherloc (09022015). Collection method: clinical testing. Allele origin: germline.
Comment: In summary, the available evidence is currently insufficient to determine the role of this variant in disease. Therefore, it has been classified as a Variant of Uncertain Significance. An algorithm developed to predict the effect of missense changes on protein structure and function (PolyPhen-2) suggests that this variant is likely to be disruptive. This sequence change replaces alanine, which is neutral and non-polar, with threonine, which is neutral and polar, at codon 102 of the CWC27 protein (p.Ala102Thr). The frequency data for this variant in the population databases is considered unreliable, as metrics indicate poor data quality at this position in the gnomAD database. This variant has not been reported in the literature in individuals affected with CWC27-related conditions. ClinVar contains an entry for this variant (Variation ID: 970622).

Blueprint Genetics
Classification: Uncertain significance. Last evaluated: 2018-05-13. Review status: criteria provided, single submitter. Criteria: ACMG Guidelines, 2015. Collection method: clinical testing. Allele origin: germline.

NM_005869.4(CWC27):c.304G>A (p.Ala102Thr)

Gene: CWC27 (CWC27 spliceosome associated cyclophilin; plus strand). Cytogenetic location: 5q12.3.
Variant type: single nucleotide variant.
Coding change: c.304G>A on transcript NM_005869.4 (MANE Select); coding-DNA position 304, G replaced by A.
Protein change: p.Ala102Thr; replaces alanine 102 with threonine.
Molecular consequence: missense variant.
Genome position (GRCh38, 1-based): chr5:64,783,887, G>A. VCF-style: chr5-64783887-G-A. GRCh37 (hg19) VCF-style: chr5-64079714-G-A.
Other names: c.304G>A (NM_005869.2); c.304G>A, p.Ala102Thr (NM_001297644.1, NM_001297645.2, NM_001318000.2 and 1 more transcripts); short protein forms A102T.
Identifiers: ClinVar variation 970622 (VCV000970622.8), dbSNP rs752677043, ClinGen allele CA3281914.